The following is an entry in ClinVar:

NM_006269.2(RP1):c.2446A>G (p.Asn816Asp)

Gene: RP1 (RP1 axonemal microtubule associated; plus strand). Cytogenetic location: 8q12.1.
Variant type: single nucleotide variant.
Coding change: c.2446A>G on transcript NM_006269.2 (MANE Select); coding-DNA position 2446, A replaced by G.
Protein change: p.Asn816Asp; replaces asparagine 816 with aspartic acid.
Molecular consequence: missense variant. On other transcripts: intron variant (1).
Genome position (GRCh38, 1-based): chr8:54,626,328, A>G. VCF-style: chr8-54626328-A-G. GRCh37 (hg19) VCF-style: chr8-55538888-A-G.
Other names: c.787+4040A>G (NM_001375654.1); short protein forms N816D.
Identifiers: ClinVar variation 1010757 (VCV001010757.6), dbSNP rs796921810, ClinGen allele CA177237173.
Genomic context (GRCh38, chr8:54,626,328, plus strand): 5'-GGTCAAAGAGATAAAGTGTTTCCTCACAATGAATCTAAATATTGCAAAAGTACTTTTGAA[A>G]ACAAAAGTTTATTTCATGTATTTAACATCCTTGAGCAAAAACCCAAAGATTTTTATGCAC-3'
Protein context (NP_006260.1, residues 806-826): ESKYCKSTFE[Asn816Asp]KSLFHVFNIL

ClinVar aggregate classification (germline): Uncertain significance (1 of 4 stars; one submission).

Allele frequency attached by ClinVar (database versions not stated): gnomAD 0.00001; gnomAD exomes 0.00001; TOPMed 0.00004.
gnomAD v4.1: 5 of 1,613,354 alleles (0.00031%); highest among the groups gnomAD compares: Admixed American, 0.0083%; no homozygotes.

Submission:

Labcorp Genetics (formerly Invitae), Labcorp
Classification: Uncertain significance. Last evaluated: 2024-10-31. Review status: criteria provided, single submitter. Criteria: Invitae Variant Classification Sherloc (09022015). Collection method: clinical testing. Allele origin: germline.
Comment: This sequence change replaces asparagine, which is neutral and polar, with aspartic acid, which is acidic and polar, at codon 816 of the RP1 protein (p.Asn816Asp). This variant is present in population databases (rs796921810, gnomAD 0.009%). This variant has not been reported in the literature in individuals affected with RP1-related conditions. ClinVar contains an entry for this variant (Variation ID: 1010757). An algorithm developed to predict the effect of missense changes on protein structure and function outputs the following: PolyPhen-2: "Benign". The aspartic acid amino acid residue is found in multiple mammalian species, which suggests that this missense change does not adversely affect protein function. In summary, the available evidence is currently insufficient to determine the role of this variant in disease. Therefore, it has been classified as a Variant of Uncertain Significance.